The following is an entry in ClinVar:

NM_004304.5(ALK):c.3307T>A (p.Ser1103Thr)

Gene: ALK (ALK receptor tyrosine kinase; minus strand). Cytogenetic location: 2p23.2.
Variant type: single nucleotide variant.
Coding change: c.3307T>A on transcript NM_004304.5 (MANE Select); coding-DNA position 3307, T replaced by A.
Protein change: p.Ser1103Thr; replaces serine 1103 with threonine.
Molecular consequence: missense variant.
Genome position (GRCh38, 1-based): chr2:29,223,394, A>T on the plus strand (T>A on the coding strand, the complement: ALK is on the minus strand). VCF-style: chr2-29223394-A-T. GRCh37 (hg19) VCF-style: chr2-29446260-A-T.
Other names: c.103T>A, p.Ser35Thr (NM_001353765.2); short protein forms S1103T, S35T.
Identifiers: ClinVar variation 4869867 (VCV004869867.1).
Genomic context (GRCh38, chr2:29,223,394, plus strand): 5'-GCGCTCACCGAATGAGGGTGATGTTTTTCCGCGGCACCTCCTTCAGGTCACTGATGGAGG[A>T]GGTCTTGCCAGCAAAGCAGTAGTTGGGGTTGTAGTCGGTCATGATGGTCGAGGTGCGGAG-3'
Protein context (NP_004295.2, residues 1093-1113): NPNYCFAGKT[Ser1103Thr]SISDLKEVPR

ClinVar aggregate classification (germline): Uncertain significance (1 of 4 stars; one submission).

Conditions:
Hereditary cancer-predisposing syndrome. Also called: Neoplastic Syndromes, Hereditary; Tumor predisposition; Hereditary Cancer Syndrome; Hereditary neoplastic syndrome. Identifiers: Orphanet 140162, MedGen C0027672, MeSH D009386, MONDO:0015356.

Submission:

Ambry Genetics
Classification: Uncertain significance for Hereditary cancer-predisposing syndrome. Last evaluated: 2026-03-17. Review status: criteria provided, single submitter. Criteria: Ambry Variant Classification Scheme 2023. Collection method: clinical testing. Allele origin: germline.
Comment: The p.S1103T variant (also known as c.3307T>A), located in coding exon 20 of the ALK gene, results from a T to A substitution at nucleotide position 3307. The serine at codon 1103 is replaced by threonine, an amino acid with similar properties. This amino acid position is conserved. In addition, this alteration is predicted to be tolerated by in silico analysis. Based on the available evidence, the clinical significance of this variant remains unclear.